The following is an entry in ClinVar:

ClinVar aggregate classification (germline): Likely benign (1 of 4 stars; one submission).

Conditions:
Posterior column ataxia-retinitis pigmentosa syndrome (RETSNS). Also called: RETINOPATHY-SENSORY NEUROPATHY SYNDROME. Identifiers: Orphanet 88628, MedGen C1836916, MONDO:0012177, OMIM 609033.

Allele frequency attached by ClinVar (database versions not stated): TOPMed 0.00116; 1000 Genomes Project 0.00080; gnomAD 0.00096 and 0.00109; 1000 Genomes Project 30x 0.00109.

Submission:

Illumina Laboratory Services, Illumina
Classification: Likely benign for Posterior column ataxia-retinitis pigmentosa syndrome. Last evaluated: 2018-01-13. Review status: criteria provided, single submitter. Criteria: ICSL Variant Classification Criteria 13 December 2019. Collection method: clinical testing. Allele origin: germline.
Comment: This variant was observed in the ICSL laboratory as part of a predisposition screen in an ostensibly healthy population. It had not been previously curated by ICSL or reported in the Human Gene Mutation Database (HGMD: prior to June 1st, 2018), and was therefore a candidate for classification through an automated scoring system. Utilizing variant allele frequency, disease prevalence and penetrance estimates, and inheritance mode, an automated score was calculated to assess if this variant is too frequent to cause the disease. Based on the score and internal cut-off values, a variant classified as likely benign is not then subjected to further curation. The score for this variant resulted in a classification of likely benign for this disease.

NM_014053.4(FLVCR1):c.*1300A>G

Gene: FLVCR1 (FLVCR choline and heme transporter 1; plus strand). Cytogenetic location: 1q32.3.
Variant type: single nucleotide variant.
Coding change: c.*1300A>G on transcript NM_014053.4 (MANE Select); 1300 bases downstream of the stop codon, A replaced by G.
Molecular consequence: 3 prime UTR variant.
Genome position (GRCh38, 1-based): chr1:212,896,590, A>G. VCF-style: chr1-212896590-A-G. GRCh37 (hg19) VCF-style: chr1-213069932-A-G.
Identifiers: ClinVar variation 295354 (VCV000295354.5), dbSNP rs186133334, ClinGen allele CA10608990.